The following is an entry in ClinVar:

ClinVar aggregate classification (germline): Uncertain significance (1 of 4 stars; one submission).

Allele frequency attached by ClinVar (database versions not stated): TOPMed below 0.00001; gnomAD 0.00001; gnomAD exomes 0.00001.
gnomAD v4.1: 12 of 1,613,538 alleles (0.00074%); highest among the groups gnomAD compares: East Asian, 0.0022%; no homozygotes.

Submission:

Genetic Services Laboratory, University of Chicago
Classification: Uncertain significance. Last evaluated: 2020-05-28. Review status: criteria provided, single submitter. Criteria: ACMG Guidelines, 2015. Collection method: clinical testing. Allele origin: germline. Affected: no.
Comment: DNA sequence analysis of the MED23 gene demonstrated a sequence change, c.904C>T, in exon 12 that results in an amino acid change, p.Arg302Cys. This sequence change does not appear to have been previously described in patients with MED23-related disorders and has been described in the gnomAD database in two heterozygous individuals which corresponds to a low population frequency of 0.00080% (dbSNP rs1339304157). The p.Arg302Cys change affects a highly conserved amino acid residue located in a domain of the MED23 protein that is known to be functional. The p.Arg302Cys substitution appears to be deleterious using several in-silico pathogenicity prediction tools (SIFT, PolyPhen2, Align GVGD, REVEL). Due to these contrasting evidences and the lack of functional studies, the clinical significance of the p.Arg302Cys change remains unknown at this time.

NM_004830.4(MED23):c.886C>T (p.Arg296Cys)

Gene: MED23 (mediator complex subunit 23; minus strand). Cytogenetic location: 6q23.2.
Variant type: single nucleotide variant.
Coding change: c.886C>T on transcript NM_004830.4 (MANE Select); coding-DNA position 886, C replaced by T.
Protein change: p.Arg296Cys; replaces arginine 296 with cysteine.
Molecular consequence: missense variant. On other transcripts: intron variant (2).
Genome position (GRCh38, 1-based): chr6:131,610,237, G>A on the plus strand (C>T on the coding strand, the complement: MED23 is on the minus strand). VCF-style: chr6-131610237-G-A. GRCh37 (hg19) VCF-style: chr6-131931377-G-A.
Other names: c.886C>T, p.Arg296Cys (NM_001270521.2, NM_001270522.2, NM_001376519.1 and 3 more transcripts); c.904C>T, p.Arg302Cys (NM_001376517.1, NM_015979.4); c.832C>T, p.Arg278Cys (NM_001376518.1); c.781-150C>T (NM_001376523.1); c.895-150C>T (NM_001376520.1); short protein forms R278C, R296C, R302C.
Identifiers: ClinVar variation 1337654 (VCV001337654.4), dbSNP rs1339304157, ClinGen allele CA365678496.